The following is an entry in ClinVar:

NM_001374828.1(ARID1B):c.2375del (p.Pro792fs)

Gene: ARID1B (AT-rich interaction domain 1B; plus strand). Cytogenetic location: 6q25.3.
Variant type: Deletion.
Coding change: c.2375del on transcript NM_001374828.1 (MANE Select); coding-DNA position 2375, one base deleted (C; older notation c.2375delC).
Protein change: p.Pro792fs; shifts the reading frame from proline 792.
Molecular consequence: frameshift variant. On other transcripts: 5 prime UTR variant (2).
Genome position (GRCh38, 1-based): chr6:157,084,789, C deleted; the last of 4 consecutive C bases (chr6:157,084,786-157,084,789); deleting any one gives the same sequence. VCF-style (leftmost placement, unchanged base first): chr6-157084785-TC-T. GRCh37 (hg19) VCF-style: chr6-157405919-TC-T.
Other names: c.-125del (NM_001363725.2, NM_001438488.1); c.2414del, p.Pro805fs (NM_001371656.1, NM_001374820.1); c.2375del, p.Pro792fs (NM_001438482.1, NM_001438485.1, NM_001438487.1 and 1 more transcripts); c.2417del, p.Pro806fs (NM_001438483.1, NM_001438486.1); short protein forms P792fs, P805fs, P806fs.
Identifiers: ClinVar variation 4884257 (VCV004884257.2).

ClinVar aggregate classification (germline): Likely pathogenic (1 of 4 stars; one submission).

Submission:

Dasa
Classification: Likely pathogenic. Last evaluated: 2025-01-06. Review status: criteria provided, single submitter. Criteria: DASA Assertion Criteria. Collection method: clinical testing. Allele origin: germline.
Comment: NM_001374828.1(ARID1B):c.2375del (p.Pro792Hisfs*23) is a frameshift variant in ARID1B predicted to alter the reading frame and introduce a premature termination codon and is predicted to result in an absent or altered protein product. Loss of function is an established disease mechanism for ARID1B (PMID: 22426308; PMID: 21801163; PMID: 22405089). Also, this variant is absent from population databases. Based on the currently available evidence, this variant is classified as likely pathogenic.

Literature cited by the submitters: PubMed 22426308; PubMed 21801163; PubMed 22405089.